The following is an entry in ClinVar:

ClinVar aggregate classification (germline): Uncertain significance (1 of 4 stars; one submission).

Conditions:
Myofibrillar myopathy 5. Also called: Filaminopathy (type); FILAMINOPATHY, AUTOSOMAL DOMINANT. Identifiers: Orphanet 171445, MedGen C1836050, MONDO:0012289, OMIM 609524.
Distal myopathy with posterior leg and anterior hand involvement. Also called: WILLIAMS DISTAL MYOPATHY. Identifiers: Orphanet 63273, MedGen C3279722, MONDO:0013550, OMIM 614065.
Hypertrophic cardiomyopathy 26. Also called: Cardiomyopathy, familial hypertrophic, 26. Identifiers: Orphanet 75249, MedGen C4310749, MONDO:0014883, OMIM 617047.

Allele frequency attached by ClinVar (database versions not stated): gnomAD exomes below 0.00001.
gnomAD v4.1: 1 of 1,612,738 alleles (0.000062%); highest among the groups gnomAD compares: Non-Finnish European, 0.000085%; no homozygotes.

Submission:

Labcorp Genetics (formerly Invitae), Labcorp
Classification: Uncertain significance for Distal myopathy with posterior leg and anterior hand involvement; Myofibrillar myopathy 5; Hypertrophic cardiomyopathy 26. Last evaluated: 2023-09-04. Review status: criteria provided, single submitter. Criteria: Invitae Variant Classification Sherloc (09022015). Collection method: clinical testing. Allele origin: germline.
Comment: In summary, the available evidence is currently insufficient to determine the role of this variant in disease. Therefore, it has been classified as a Variant of Uncertain Significance. Advanced modeling of protein sequence and biophysical properties (such as structural, functional, and spatial information, amino acid conservation, physicochemical variation, residue mobility, and thermodynamic stability) has been performed at Invitae for this missense variant, however the output from this modeling did not meet the statistical confidence thresholds required to predict the impact of this variant on FLNC protein function. ClinVar contains an entry for this variant (Variation ID: 1002104). This variant has not been reported in the literature in individuals affected with FLNC-related conditions. This variant is not present in population databases (gnomAD no frequency). This sequence change replaces glutamine, which is neutral and polar, with arginine, which is basic and polar, at codon 288 of the FLNC protein (p.Gln288Arg).

NM_001458.5(FLNC):c.863A>G (p.Gln288Arg)

Gene: FLNC (filamin C; plus strand). Cytogenetic location: 7q32.1.
Variant type: single nucleotide variant.
Coding change: c.863A>G on transcript NM_001458.5 (MANE Select); coding-DNA position 863, A replaced by G.
Protein change: p.Gln288Arg; replaces glutamine 288 with arginine.
Molecular consequence: missense variant.
Genome position (GRCh38, 1-based): chr7:128,837,649, A>G. VCF-style: chr7-128837649-A-G. GRCh37 (hg19) VCF-style: chr7-128477703-A-G.
Other names: c.863A>G, p.Gln288Arg (NM_001127487.2); short protein forms Q288R.
Identifiers: ClinVar variation 1002104 (VCV001002104.9), dbSNP rs1808151950, ClinGen allele CA369222892.